The following is an entry in ClinVar:

ClinVar aggregate classification (germline): Likely benign (1 of 4 stars; one submission).

Submission:

CeGaT Center for Human Genetics Tuebingen
Classification: Likely benign. Last evaluated: 2022-03-01. Review status: criteria provided, single submitter. Criteria: CeGaT Center For Human Genetics Tuebingen Variant Classification Criteria Version 2. Collection method: clinical testing. Allele origin: germline. Affected: yes. Observed: 1 variant allele.
Comment: GLDC: BP4, BP7

NM_000170.3(GLDC):c.2163A>C (p.Gly721=)

Gene: GLDC (glycine decarboxylase; minus strand). Cytogenetic location: 9p24.1.
Variant type: single nucleotide variant.
Coding change: c.2163A>C on transcript NM_000170.3 (MANE Select); coding-DNA position 2163, A replaced by C.
Protein change: p.Gly721=; no amino-acid change (glycine 721 retained).
Molecular consequence: synonymous variant.
Genome position (GRCh38, 1-based): chr9:6,556,192, T>G on the plus strand (A>C on the coding strand, the complement: GLDC is on the minus strand). VCF-style: chr9-6556192-T-G. GRCh37 (hg19) VCF-style: chr9-6556192-T-G.
Identifiers: ClinVar variation 2659061 (VCV002659061.24), dbSNP rs748569405, ClinGen allele CA463585522.